The following is an entry in ClinVar:

NM_000138.5(FBN1):c.5852T>C (p.Val1951Ala)

Gene: FBN1 (fibrillin 1; minus strand). Cytogenetic location: 15q21.1.
Variant type: single nucleotide variant.
Coding change: c.5852T>C on transcript NM_000138.5 (MANE Select); coding-DNA position 5852, T replaced by C.
Protein change: p.Val1951Ala; replaces valine 1951 with alanine.
Molecular consequence: missense variant.
Genome position (GRCh38, 1-based): chr15:48,445,441, A>G on the plus strand (T>C on the coding strand, the complement: FBN1 is on the minus strand). VCF-style: chr15-48445441-A-G. GRCh37 (hg19) VCF-style: chr15-48737638-A-G.
Other names: c.5852T>C, p.Val1951Ala (NM_001406716.1); short protein forms V1951A.
Identifiers: ClinVar variation 3070406 (VCV003070406.1), dbSNP rs1270817532, ClinGen allele CA392340063.

ClinVar aggregate classification (germline): Uncertain significance (1 of 4 stars; one submission).

Conditions:
Marfan syndrome (MFS). Also called: MARFAN SYNDROME, TYPE I; Marfan syndrome type 1; Marfan's syndrome; Marfan syndrome, classic; FBN1-Related Marfan Syndrome. Identifiers: Orphanet 284963, Orphanet 558, MedGen C0024796, MONDO:0007947, OMIM 154700.

Allele frequency attached by ClinVar (database versions not stated): TOPMed below 0.00001; gnomAD 0.00001.
gnomAD v4.1: 1 of 1,612,676 alleles (0.000062%); highest among the groups gnomAD compares: Non-Finnish European, 0.000085%; no homozygotes.

Submission:

All of Us Research Program, National Institutes of Health
Classification: Uncertain significance for Marfan syndrome. Last evaluated: 2023-04-10. Review status: criteria provided, single submitter. Criteria: ACMG Guidelines, 2015. Collection method: clinical testing. Allele origin: germline. Inheritance: Autosomal dominant inheritance. Observed: 1 variant allele, 1 heterozygote.
Comment: This missense variant replaces valine with alanine at codon 1951 of the FBN1 protein. Computational prediction suggests that this variant may not impact protein structure and function (internally defined REVEL score threshold <= 0.5, PMID: 27666373). To our knowledge, functional studies have not been reported for this variant. This variant has not been reported in individuals affected with FBN1-related disorders in the literature. This variant has not been identified in the general population by the Genome Aggregation Database (gnomAD). The available evidence is insufficient to determine the role of this variant in disease conclusively. Therefore, this variant is classified as a Variant of Uncertain Significance.

This study involves interpretation of variants in research participants for the purpose of population health screening. Participant phenotype was not available at the time of variant classification. Additional details can be found in publication PMID: 35346344, PMCID: PMC8962531